The following is an entry in ClinVar:

ClinVar aggregate classification (germline): Uncertain significance (1 of 4 stars; one submission).

Allele frequency attached by ClinVar (database versions not stated): gnomAD exomes below 0.00001.
gnomAD v4.1: 2 of 1,563,980 alleles (0.00013%); highest among the groups gnomAD compares: Admixed American, 0.0038%; no homozygotes.

Submission:

Labcorp Genetics (formerly Invitae), Labcorp
Classification: Uncertain significance. Last evaluated: 2025-08-11. Review status: criteria provided, single submitter. Criteria: Invitae Variant Classification Sherloc (09022015). Collection method: clinical testing. Allele origin: germline.
Comment: This sequence change replaces serine, which is neutral and polar, with asparagine, which is neutral and polar, at codon 1425 of the KIAA1549 protein (p.Ser1425Asn). This variant is not present in population databases (gnomAD no frequency). This variant has not been reported in the literature in individuals affected with KIAA1549-related conditions. ClinVar contains an entry for this variant (Variation ID: 1488189). An algorithm developed to predict the effect of missense changes on protein structure and function (PolyPhen-2) suggests that this variant is likely to be disruptive. In summary, the available evidence is currently insufficient to determine the role of this variant in disease. Therefore, it has been classified as a Variant of Uncertain Significance.

NM_001164665.2(KIAA1549):c.4274G>A (p.Ser1425Asn)

Gene: KIAA1549 (KIAA1549; minus strand). Cytogenetic location: 7q34.
Variant type: single nucleotide variant.
Coding change: c.4274G>A on transcript NM_001164665.2 (MANE Select); coding-DNA position 4274, G replaced by A.
Protein change: p.Ser1425Asn; replaces serine 1425 with asparagine.
Molecular consequence: missense variant.
Genome position (GRCh38, 1-based): chr7:138,879,609, C>T on the plus strand (G>A on the coding strand, the complement: KIAA1549 is on the minus strand). VCF-style: chr7-138879609-C-T. GRCh37 (hg19) VCF-style: chr7-138564355-C-T.
Other names: c.4274G>A, p.Ser1425Asn (NM_020910.3); short protein forms S1425N.
Identifiers: ClinVar variation 1488189 (VCV001488189.6), dbSNP rs1384335593, ClinGen allele CA369376098.